The following is an entry in ClinVar:

NM_000138.5(FBN1):c.3506G>A (p.Gly1169Asp)

Gene: FBN1 (fibrillin 1; minus strand). Cytogenetic location: 15q21.1.
Variant type: single nucleotide variant.
Coding change: c.3506G>A on transcript NM_000138.5 (MANE Select); coding-DNA position 3506, G replaced by A.
Protein change: p.Gly1169Asp; replaces glycine 1169 with aspartic acid.
Molecular consequence: missense variant.
Genome position (GRCh38, 1-based): chr15:48,487,158, C>T on the plus strand (G>A on the coding strand, the complement: FBN1 is on the minus strand). VCF-style: chr15-48487158-C-T. GRCh37 (hg19) VCF-style: chr15-48779355-C-T.
Other names: short protein forms G1169D.
Identifiers: ClinVar variation 406328 (VCV000406328.9), dbSNP rs794728330, ClinGen allele CA16614519.

ClinVar aggregate classification (germline): Uncertain significance. Review status: criteria provided, multiple submitters, no conflicts (2 of 4 stars). 2 submissions from 2 submitters: Uncertain significance (2). Last evaluated 2021-06-23.

Conditions:
Marfan syndrome (MFS). Also called: Marfan syndrome, classic; Marfan syndrome type 1; Marfan's syndrome; MARFAN SYNDROME, TYPE I; FBN1-Related Marfan Syndrome. Identifiers: Orphanet 284963, Orphanet 558, MedGen C0024796, MONDO:0007947, OMIM 154700.
Familial thoracic aortic aneurysm and aortic dissection (TAAD). Also called: Thoracic aortic aneurysms and dissections. Identifiers: Orphanet 91387, MedGen C4707243, MONDO:0019625.

Submissions (2):

Blueprint Genetics
Classification: Uncertain significance. Last evaluated: 2021-06-23. Review status: criteria provided, single submitter. Criteria: ACMG Guidelines, 2015. Collection method: clinical testing. Allele origin: germline.

Labcorp Genetics (formerly Invitae), Labcorp
Classification: Uncertain significance for Marfan syndrome; Familial thoracic aortic aneurysm and aortic dissection. Last evaluated: 2016-11-18. Review status: criteria provided, single submitter. Criteria: Invitae Variant Classification Sherloc (09022015). Collection method: clinical testing. Allele origin: germline.
Comment: This variant is not present in population databases (ExAC no frequency) and has not been reported in the literature in individuals with a FBN1-related disease. This sequence change replaces glycine with aspartic acid at codon 1169 of the FBN1 protein (p.Gly1169Asp). The glycine residue is highly conserved and there is a moderate physicochemical difference between glycine and aspartic acid. Algorithms developed to predict the effect of missense changes on protein structure and function do not agree on the potential impact of this missense change (SIFT: "Deleterious"; PolyPhen-2: "Probably Damaging"; Align-GVGD: "Class C0"). This glycine residue is located in a FBN1 calcium-binding epidermal growth factor (cbEGF)-like domain in a position that is predicted to affect protein structure and function (PMID: 19802897). In addition, missense variants at this position of the cbEGF-like domain are overrepresented among individuals with Marfan syndrome (PMID: 12938084). In summary, this variant is a novel missense change that is expected to affect protein function. However, in the absence of confirmed segregation or functional studies, at this time this change has been classified as a Variant of Uncertain Significance.

Literature cited by the submitters: PubMed 19802897 (cited by Labcorp Genetics (formerly Invitae), Labcorp); PubMed 12938084 (cited by Labcorp Genetics (formerly Invitae), Labcorp).